The following is an entry in ClinVar:

NM_001042492.3(NF1):c.5436C>A (p.Phe1812Leu)

Gene: NF1 (neurofibromin 1; plus strand). Cytogenetic location: 17q11.2.
Variant type: single nucleotide variant.
Coding change: c.5436C>A on transcript NM_001042492.3 (MANE Select); coding-DNA position 5436, C replaced by A.
Protein change: p.Phe1812Leu; replaces phenylalanine 1812 with leucine.
Molecular consequence: missense variant.
Genome position (GRCh38, 1-based): chr17:31,327,666, C>A. VCF-style: chr17-31327666-C-A. GRCh37 (hg19) VCF-style: chr17-29654684-C-A.
Other names: c.5373C>A, p.Phe1791Leu (NM_000267.4); short protein forms F1791L, F1812L.
Identifiers: ClinVar variation 4615755 (VCV004615755.1).

ClinVar aggregate classification (germline): Uncertain significance (1 of 4 stars; one submission).

Conditions:
Cardiovascular phenotype. Identifiers: MedGen CN230736.
Hereditary cancer-predisposing syndrome. Also called: Neoplastic Syndromes, Hereditary; Tumor predisposition; Hereditary Cancer Syndrome; Hereditary neoplastic syndrome. Identifiers: Orphanet 140162, MedGen C0027672, MeSH D009386, MONDO:0015356.

gnomAD v4.1: 1 of 1,614,196 alleles (0.000062%); highest among the groups gnomAD compares: Non-Finnish European, 0.000085%; no homozygotes.

Submission:

Ambry Genetics
Classification: Uncertain significance for Cardiovascular phenotype; Hereditary cancer-predisposing syndrome. Last evaluated: 2025-10-13. Review status: criteria provided, single submitter. Criteria: Ambry Variant Classification Scheme 2023. Collection method: clinical testing. Allele origin: germline.
Comment: The p.F1791L variant (also known as c.5373C>A), located in coding exon 37 of the NF1 gene, results from a C to A substitution at nucleotide position 5373. The phenylalanine at codon 1791 is replaced by leucine, an amino acid with highly similar properties. This amino acid position is conserved. In addition, this alteration is predicted to be deleterious by in silico analysis. Based on the available evidence, the clinical significance of this variant remains unclear.